The following is an entry in ClinVar:

NM_001127208.3(TET2):c.5413A>T (p.Asn1805Tyr)

Genes: TET2 (tet methylcytosine dioxygenase 2; plus strand), TET2-AS1 (TET2 antisense RNA 1; minus strand). Cytogenetic location: 4q24.
Variant type: single nucleotide variant.
Coding change: c.5413A>T on transcript NM_001127208.3 (MANE Select); coding-DNA position 5413, A replaced by T.
Protein change: p.Asn1805Tyr; replaces asparagine 1805 with tyrosine.
Molecular consequence: missense variant.
Genome position (GRCh38, 1-based): chr4:105,275,923, A>T. VCF-style: chr4-105275923-A-T. GRCh37 (hg19) VCF-style: chr4-106197080-A-T.
Other names: short protein forms N1805Y.
Identifiers: ClinVar variation 1338080 (VCV001338080.4), dbSNP rs970128585, ClinGen allele CA102780795.

ClinVar aggregate classification (germline): Uncertain significance (1 of 4 stars; one submission).

Allele frequency attached by ClinVar (database versions not stated): gnomAD 0.00001; gnomAD exomes 0.00001 and 0.00003; TOPMed 0.00001.

Submission:

Genetic Services Laboratory, University of Chicago
Classification: Uncertain significance. Last evaluated: 2021-09-29. Review status: criteria provided, single submitter. Criteria: ACMG Guidelines, 2015. Collection method: clinical testing. Allele origin: germline. Affected: no.
Comment: DNA sequence analysis of the TET2 gene demonstrated a sequence change, c.5413A>T, in exon 11 that results in an amino acid change, p.Asn1805Tyr. This sequence change does not appear to have been previously described in individuals with TET2-related disorders and has been described in the gnomAD database with a frequency of 0.0032% (dbSNP rs970128585). The p.Asn1805Tyr change affects a highly conserved amino acid residue located in a domain of the TET2 protein that is not known to be functional. In-silico pathogenicity prediction tools (SIFT, PolyPhen2, Align GVGD, REVEL) provide contradictory results for the p.Asn1805Tyr substitution. Due to insufficient evidence and the lack of functional studies, the clinical significance of the p.Asn1805Tyr change remains unknown at this time.